The following is an entry in ClinVar:

NM_001165963.4(SCN1A):c.473+1G>C

Gene: SCN1A (sodium voltage-gated channel alpha subunit 1; minus strand). Cytogenetic location: 2q24.3.
Variant type: single nucleotide variant.
Coding change: c.473+1G>C on transcript NM_001165963.4 (MANE Select); the canonical splice donor site of the intron after coding-DNA position 473, G replaced by C.
Molecular consequence: splice donor variant.
Genome position (GRCh38, 1-based): chr2:166,056,410, C>G on the plus strand (G>C on the coding strand, the complement: SCN1A is on the minus strand). VCF-style: chr2-166056410-C-G. GRCh37 (hg19) VCF-style: chr2-166912920-C-G.
Other names: c.473+1G>C (NM_001353949.2, NM_001353958.2, NM_001353950.2 and 10 more transcripts); c.-1953+1G>C (NM_001353961.2).
Identifiers: ClinVar variation 190012 (VCV000190012.1), dbSNP rs794726840, ClinGen allele CA303549.
Genomic context (GRCh38, chr2:166,056,410, plus strand): 5'-TAAGACACAGTTTCAAAATCCCAAATGTATATATGTTATTAAAAATATAAGTTGAACTTA[C>G]TCTACATTCTTTGTCCAATCAGGAGGGTTACTCATTGTCATAAACACACAGTTTGTCAAA-3'

ClinVar aggregate classification (germline): Pathogenic (1 of 4 stars; one submission).

Conditions:
Severe myoclonic epilepsy in infancy (DRVT). Also called: Epileptic encephalopathy, early infantile, 6 (Dravet syndrome); SEVERE MYOCLONIC EPILEPSY OF INFANCY; DEVELOPMENTAL AND EPILEPTIC ENCEPHALOPATHY 6A; Severe Myoclonic Epilepsy in Infancy (SMEI); Dravet syndrome. Identifiers: Orphanet 33069, MedGen C0751122, MONDO:0100135, OMIM 607208.

Submission:

Center for Bioinformatics, Peking University
Classification: Pathogenic for Dravet syndrome. Last evaluated: 2014-12-20. Review status: criteria provided, single submitter. Criteria: Xu et al. (Hum Mutat. 2015). Collection method: research. Allele origin: de novo. Affected: yes. Observed: 1 variant allele. Study: University Clinical Cooperation “985 Project” PKU-2014-1-1.
Comment: Dravet syndrome (DS) probands were recruited from the outpatient and inpatient child neurology units of Peking University First Hospital from 2005 till present. The study was approved by the Ethics Committee of Peking University First Hospital and the Institutional Review Board at Peking University. Participants or their parents provided written informed consent before enrollment. We collected a total of 267 mutations from 255 families with probands diagnosed with DS in China. All probands fulfilled the clinical diagnostic criteria.